The following is an entry in ClinVar:

NM_004385.5(VCAN):c.1898A>G (p.Glu633Gly)

Gene: VCAN (versican; plus strand). Cytogenetic location: 5q14.3.
Variant type: single nucleotide variant.
Coding change: c.1898A>G on transcript NM_004385.5 (MANE Select); coding-DNA position 1898, A replaced by G.
Protein change: p.Glu633Gly; replaces glutamic acid 633 with glycine.
Molecular consequence: missense variant. On other transcripts: intron variant (2).
Genome position (GRCh38, 1-based): chr5:83,520,204, A>G. VCF-style: chr5-83520204-A-G. GRCh37 (hg19) VCF-style: chr5-82816023-A-G.
Other names: c.1898A>G, p.Glu633Gly (NM_001164098.2); c.1042+7808A>G (NM_001164097.2, NM_001126336.3); short protein forms E633G.
Identifiers: ClinVar variation 2114881 (VCV002114881.4), dbSNP rs768587164, ClinGen allele CA3332749.
Genomic context (GRCh38, chr5:83,520,204, plus strand): 5'-ATAATAATGGATCATCCATGGATGACTGGGAAGAGAGACAAACTAGTGGTAGGATAACGG[A>G]AGAGTTTCTTGGCAAATATCTGTCTACTACACCTTTTCCATCACAGCATCGTACAGAAAT-3'
Protein context (NP_004376.2, residues 623-643): EERQTSGRIT[Glu633Gly]EFLGKYLSTT

ClinVar aggregate classification (germline): Uncertain significance (1 of 4 stars; one submission).

Allele frequency attached by ClinVar (database versions not stated): ExAC 0.00001; gnomAD exomes below 0.00001.
gnomAD v4.1: 5 of 1,614,048 alleles (0.00031%); highest among the groups gnomAD compares: Admixed American, 0.0033%; no homozygotes.

Submission:

Labcorp Genetics (formerly Invitae), Labcorp
Classification: Uncertain significance. Last evaluated: 2025-12-11. Review status: criteria provided, single submitter. Criteria: Invitae Variant Classification Sherloc (09022015). Collection method: clinical testing. Allele origin: germline.
Comment: This sequence change replaces glutamic acid, which is acidic and polar, with glycine, which is neutral and non-polar, at codon 633 of the VCAN protein (p.Glu633Gly). This variant is present in population databases (rs768587164, gnomAD 0.006%). This variant has not been reported in the literature in individuals affected with VCAN-related conditions. ClinVar contains an entry for this variant (Variation ID: 2114881). An algorithm developed to predict the effect of missense changes on protein structure and function (PolyPhen-2) suggests that this variant is likely to be disruptive. In summary, the available evidence is currently insufficient to determine the role of this variant in disease. Therefore, it has been classified as a Variant of Uncertain Significance.